The following is an entry in ClinVar:

ClinVar aggregate classification (germline): Conflicting classifications of pathogenicity. Review status: criteria provided, conflicting classifications (1 of 4 stars). 2 submissions from 2 submitters: Uncertain significance (1); Likely benign (1). Last evaluated 2025-04-24.

Conditions:
Catecholaminergic polymorphic ventricular tachycardia 1. Also called: VENTRICULAR TACHYCARDIA, STRESS-INDUCED POLYMORPHIC 1; VENTRICULAR TACHYCARDIA, CATECHOLAMINERGIC POLYMORPHIC, 1, WITH OR WITHOUT ATRIAL DYSFUNCTION AND/OR DILATED CARDIOMYOPATHY; RYR2-Related Catecholaminergic Polymorphic Ventricular Tachycardia. Identifiers: Orphanet 3286, MedGen C1631597, MONDO:0011484, OMIM 604772.
Catecholaminergic polymorphic ventricular tachycardia (CVPT). Also called: Catecholamine-induced polymorphic ventricular tachycardia. Identifiers: Orphanet 3286, MedGen C5574922, MONDO:0017990.

Allele frequency attached by ClinVar (database versions not stated): TOPMed below 0.00001; ExAC 0.00001; gnomAD exomes 0.00001.
gnomAD v4.1: 4 of 1,608,244 alleles (0.00025%); highest among the groups gnomAD compares: Admixed American, 0.0051%; no homozygotes.

Submissions (2):

Labcorp Genetics (formerly Invitae), Labcorp
Classification: Likely benign for Catecholaminergic polymorphic ventricular tachycardia 1. Last evaluated: 2025-04-24. Review status: criteria provided, single submitter. Criteria: Invitae Variant Classification Sherloc (09022015). Collection method: clinical testing. Allele origin: germline.

All of Us Research Program, National Institutes of Health
Classification: Uncertain significance for Catecholaminergic polymorphic ventricular tachycardia. Last evaluated: 2024-09-23. Review status: criteria provided, single submitter. Criteria: ACMG Guidelines, 2015. Collection method: clinical testing. Allele origin: germline. Inheritance: Autosomal dominant inheritance. Observed: 1 variant allele, 1 heterozygote.
Comment: This study involves interpretation of variants in research participants for the purpose of population health screening. Participant phenotype was not available at the time of variant classification. Additional details can be found in publication PMID: 35346344, PMCID: PMC8962531

NM_001035.3(RYR2):c.3107C>G (p.Thr1036Ser)

Gene: RYR2 (ryanodine receptor 2; plus strand). Cytogenetic location: 1q43.
Variant type: single nucleotide variant.
Coding change: c.3107C>G on transcript NM_001035.3 (MANE Select); coding-DNA position 3107, C replaced by G.
Protein change: p.Thr1036Ser; replaces threonine 1036 with serine.
Molecular consequence: missense variant.
Genome position (GRCh38, 1-based): chr1:237,550,584, C>G. VCF-style: chr1-237550584-C-G. GRCh37 (hg19) VCF-style: chr1-237713884-C-G.
Other names: short protein forms T1036S.
Identifiers: ClinVar variation 2203129 (VCV002203129.5), dbSNP rs772963051, ClinGen allele CA071029.